The following is an entry in ClinVar:

NM_001353345.2(SETD1B):c.4983A>G (p.Glu1661=)

Gene: SETD1B (SET domain containing 1B, histone lysine methyltransferase; plus strand). Cytogenetic location: 12q24.31.
Variant type: single nucleotide variant.
Coding change: c.4983A>G on transcript NM_001353345.2 (MANE Select); coding-DNA position 4983, A replaced by G.
Protein change: p.Glu1661=; no amino-acid change (glutamic acid 1661 retained).
Molecular consequence: synonymous variant.
Genome position (GRCh38, 1-based): chr12:121,823,562, A>G. VCF-style: chr12-121823562-A-G. GRCh37 (hg19) VCF-style: chr12-122261468-A-G.
Other names: NM_015048.1:c.4854A>G.
Identifiers: ClinVar variation 2643481 (VCV002643481.26), dbSNP rs376679676, ClinGen allele CA6839248.

ClinVar aggregate classification (germline): Likely benign. Review status: criteria provided, multiple submitters, no conflicts (2 of 4 stars). 3 submissions from 3 submitters: Likely benign (2). 1 of the submissions does not count toward it. Last evaluated 2026-09-01.

Conditions:
SETD1B-related disorder. Also called: SETD1B-related condition.

Allele frequency attached by ClinVar (database versions not stated): gnomAD exomes 0.00017; ExAC 0.00099; 1000 Genomes Project 0.00160; 1000 Genomes Project 30x 0.00172; ESP Exome Variant Server 0.00197; gnomAD 0.00200; TOPMed 0.00221.
gnomAD v4.1: 543 of 1,550,790 alleles (0.035%); highest among the groups gnomAD compares: African/African-American, 0.7%; 5 homozygotes.

Submissions (3):

CeGaT Center for Human Genetics Tuebingen
Classification: Likely benign. Last evaluated: 2026-09-01. Review status: criteria provided, single submitter. Criteria: CeGaT Center For Human Genetics Tuebingen Variant Classification Criteria Version 2. Collection method: clinical testing. Allele origin: germline. Affected: yes. Observed: 3 variant alleles.
Comment: SETD1B: BP4, BP7

Blueprint Genetics
Classification: Likely benign. Last evaluated: 2024-05-02. Review status: criteria provided, single submitter. Criteria: ACMG Guidelines, 2015. Collection method: clinical testing. Allele origin: germline.

PreventionGenetics, part of Exact Sciences
Classification: Likely benign for SETD1B-related condition. Last evaluated: 2020-01-06. Review status: no assertion criteria provided. Collection method: clinical testing. Allele origin: germline. Not counted in ClinVar's aggregate classification.
Comment: This variant is classified as likely benign based on ACMG/AMP sequence variant interpretation guidelines (Richards et al. 2015 PMID: 25741868, with internal and published modifications).